The following is an entry in ClinVar:

NM_000135.4(FANCA):c.2293C>A (p.Leu765Ile)

Gene: FANCA (FA complementation group A; minus strand). Cytogenetic location: 16q24.3.
Variant type: single nucleotide variant.
Coding change: c.2293C>A on transcript NM_000135.4 (MANE Select); coding-DNA position 2293, C replaced by A.
Protein change: p.Leu765Ile; replaces leucine 765 with isoleucine.
Molecular consequence: missense variant.
Genome position (GRCh38, 1-based): chr16:89,770,189, G>T on the plus strand (C>A on the coding strand, the complement: FANCA is on the minus strand). VCF-style: chr16-89770189-G-T. GRCh37 (hg19) VCF-style: chr16-89836597-G-T.
Other names: c.2293C>A, p.Leu765Ile (NM_001286167.3); short protein forms L765I.
Identifiers: ClinVar variation 3848167 (VCV003848167.1).

ClinVar aggregate classification (germline): Uncertain significance (1 of 4 stars; one submission).

Conditions:
Inborn genetic diseases. Identifiers: MedGen C0950123, MeSH D030342.

gnomAD v4.1: 2 of 1,592,834 alleles (0.00013%); highest among the groups gnomAD compares: Non-Finnish European, 0.000085%; no homozygotes.

Submission:

Ambry Genetics
Classification: Uncertain significance for Inborn genetic diseases. Last evaluated: 2025-01-31. Review status: criteria provided, single submitter. Criteria: Ambry Variant Classification Scheme 2023. Collection method: clinical testing. Allele origin: germline.
Comment: The p.L765I variant (also known as c.2293C>A), located in coding exon 25 of the FANCA gene, results from a C to A substitution at nucleotide position 2293. The leucine at codon 765 is replaced by isoleucine, an amino acid with highly similar properties. This amino acid position is conserved. In addition, the in silico prediction for this alteration is inconclusive. Based on the available evidence, the clinical significance of this variant remains unclear.